The following is an entry in ClinVar:

NM_000094.4(COL7A1):c.6022C>G (p.Arg2008Gly)

Gene: COL7A1 (collagen type VII alpha 1 chain; minus strand). Cytogenetic location: 3p21.31.
Variant type: single nucleotide variant.
Coding change: c.6022C>G on transcript NM_000094.4 (MANE Select); coding-DNA position 6022, C replaced by G.
Protein change: p.Arg2008Gly; replaces arginine 2008 with glycine.
Molecular consequence: missense variant.
Genome position (GRCh38, 1-based): chr3:48,575,497, G>C on the plus strand (C>G on the coding strand, the complement: COL7A1 is on the minus strand). VCF-style: chr3-48575497-G-C. GRCh37 (hg19) VCF-style: chr3-48612930-G-C.
Other names: short protein forms R2008G.
Identifiers: ClinVar variation 951382 (VCV000951382.7), dbSNP rs1055680335, ClinGen allele CA73977057.

ClinVar aggregate classification (germline): Pathogenic. Review status: criteria provided, multiple submitters, no conflicts (2 of 4 stars). 3 submissions from 3 submitters: Pathogenic (3). Last evaluated 2024-09-21.

Conditions:
Epidermolysis bullosa dystrophica. Also called: Dystrophic epidermolysis bullosa, Hallopeau-Siemens type (formerly); Dystrophic epidermolysis bullosa. Identifiers: Orphanet 303, MedGen C0079294, MONDO:0006543.
Transient bullous dermolysis of the newborn (TBDN). Also called: EPIDERMOLYSIS BULLOSA DYSTROPHICA, NEONATAL FORM; DYSTROPHIC EPIDERMOLYSIS BULLOSA, NEONATAL. Identifiers: Orphanet 79411, MedGen C1851573, MONDO:0007548, OMIM 131705.
Generalized dominant dystrophic epidermolysis bullosa (DDEB). Also called: DDEB, generalized; DDEB-gen; DYSTROPHIC EPIDERMOLYSIS BULLOSA, AUTOSOMAL DOMINANT; Epidermolysis bullosa dystrophica, autosomal dominant; Dominant DEB (DDEB). Identifiers: Orphanet 231568, MedGen C0432322, MONDO:0007549, OMIM 131750.
Epidermolysis bullosa pruriginosa. Also called: DEB, PRURIGINOSA; DYSTROPHIC EPIDERMOLYSIS BULLOSA PRURIGINOSA. Identifiers: Orphanet 89843, MedGen C1275114, MONDO:0011398, OMIM 604129.
Recessive dystrophic epidermolysis bullosa (RDEB). Also called: DYSTROPHIC EPIDERMOLYSIS BULLOSA, AUTOSOMAL RECESSIVE; EPIDERMOLYSIS BULLOSA DYSTROPHICA, HALLOPEAU-SIEMENS TYPE; severe generalized recessive dystrophic epidermolysis bullosa; Epidermolysis Bullosa Distrophica Autosomal Recessive (RDEB); EPIDERMOLYSIS BULLOSA DYSTROPHICA, GENERALIZED SEVERE, AUTOSOMAL RECESSIVE; epidermolysis bullosa dystrophica, autosomal recessive. Identifiers: Orphanet 79408, Orphanet 79409, MedGen C0079474, MONDO:0009179, OMIM 226600.
Pretibial dystrophic epidermolysis bullosa. Also called: EPIDERMOLYSIS BULLOSA DYSTROPHICA, PRETIBIAL; Pretibial epidermolysis bullosa; Pretibial blistering. Identifiers: Orphanet 79410, MedGen C0432321, MONDO:0007552, OMIM 131850, HP:0012221.
Dominant dystrophic epidermolysis bullosa with absence of skin. Also called: EPIDERMOLYSIS BULLOSA WITH CONGENITAL LOCALIZED ABSENCE OF SKIN AND DEFORMITY OF NAILS; EPIDERMOLYSIS BULLOSA DYSTROPHICA, BART TYPE. Identifiers: MedGen C0268371, MONDO:0007557, OMIM 132000.
Nonsyndromic congenital nail disorder 8. Also called: TOENAIL DYSTROPHY, ISOLATED. Identifiers: MedGen C1843761, MONDO:0011852, OMIM 607523.

gnomAD v4.1: 1 of 1,612,364 alleles (0.000062%); highest among the groups gnomAD compares: Non-Finnish European, 0.000085%; no homozygotes.

Submissions (3):

Natera, Inc.
Classification: Pathogenic for Dystrophic epidermolysis bullosa. Last evaluated: 2024-09-21. Review status: criteria provided, single submitter. Criteria: Natera Variant Classification Schema (03/2026). Collection method: clinical testing. Allele origin: germline.
Comment: The c.6022C>G variant in COL7A1 is a missense variant predicted to cause substitution of arginine to glycine at amino acid 2008. This variant is rare in the general population with a frequency below the threshold expected for the associated phenotype(s). This variant has been observed in one or more individuals affected with the associated recessive disease, as either homozygous or compound heterozygous with a second variant (PMID: 9326325, 10084325, 10504458, 20376098, 24252097). Functional studies show that this variant may disrupt protein function (PMID: 11698408). A different variant at the same position has been determined to be Pathogenic or Likely Pathogenic. Given the available evidence, this variant is classified as Pathogenic.

Fulgent Genetics
Classification: Pathogenic for Transient bullous dermolysis of the newborn; Generalized dominant dystrophic epidermolysis bullosa; Pretibial dystrophic epidermolysis bullosa; Dominant dystrophic epidermolysis bullosa with absence of skin; Recessive dystrophic epidermolysis bullosa; Epidermolysis bullosa pruriginosa; Nonsyndromic congenital nail disorder 8. Last evaluated: 2024-05-17. Review status: criteria provided, single submitter. Criteria: ACMG Guidelines, 2015. Collection method: clinical testing. Allele origin: germline.

Labcorp Genetics (formerly Invitae), Labcorp
Classification: Pathogenic. Last evaluated: 2023-11-03. Review status: criteria provided, single submitter. Criteria: Invitae Variant Classification Sherloc (09022015). Collection method: clinical testing. Allele origin: germline.
Comment: This sequence change replaces arginine, which is basic and polar, with glycine, which is neutral and non-polar, at codon 2008 of the COL7A1 protein (p.Arg2008Gly). This variant is not present in population databases (gnomAD no frequency). This missense change has been observed in individuals with autosomal recessive dystrophic epidermolysis bullosa (PMID: 9326325, 10084325, 10504458). ClinVar contains an entry for this variant (Variation ID: 951382). Advanced modeling of protein sequence and biophysical properties (such as structural, functional, and spatial information, amino acid conservation, physicochemical variation, residue mobility, and thermodynamic stability) performed at Invitae indicates that this missense variant is not expected to disrupt COL7A1 protein function with a negative predictive value of 95%. Experimental studies have shown that this missense change affects COL7A1 function (PMID: 11698408, 18450758). This variant disrupts the p.Arg2008 amino acid residue in COL7A1. Other variant(s) that disrupt this residue have been observed in individuals with COL7A1-related conditions (PMID: 9740253, 10084325, 17501948), which suggests that this may be a clinically significant amino acid residue. For these reasons, this variant has been classified as Pathogenic.

Literature cited by the submitters: PubMed 9326325 (cited by Natera, Inc. and Labcorp Genetics (formerly Invitae), Labcorp); PubMed 10084325 (cited by Natera, Inc. and Labcorp Genetics (formerly Invitae), Labcorp); PubMed 10504458 (cited by Natera, Inc. and Labcorp Genetics (formerly Invitae), Labcorp); PubMed 20376098 (cited by Natera, Inc.); PubMed 24252097 (cited by Natera, Inc.); PubMed 11698408 (cited by Natera, Inc. and Labcorp Genetics (formerly Invitae), Labcorp); PubMed 18450758 (cited by Labcorp Genetics (formerly Invitae), Labcorp); PubMed 9740253 (cited by Labcorp Genetics (formerly Invitae), Labcorp); PubMed 17501948 (cited by Labcorp Genetics (formerly Invitae), Labcorp).